The following is an entry in ClinVar:

NM_000455.5(STK11):c.1251C>T (p.Ala417=)

Gene: STK11 (serine/threonine kinase 11; plus strand). Cytogenetic location: 19p13.3.
Variant type: single nucleotide variant.
Coding change: c.1251C>T on transcript NM_000455.5 (MANE Select); coding-DNA position 1251, C replaced by T.
Protein change: p.Ala417=; no amino-acid change (alanine 417 retained).
Molecular consequence: synonymous variant.
Genome position (GRCh38, 1-based): chr19:1,226,596, C>T. VCF-style: chr19-1226596-C-T. GRCh37 (hg19) VCF-style: chr19-1226595-C-T.
Identifiers: ClinVar variation 412548 (VCV000412548.45), dbSNP rs1060503786, ClinGen allele CA16616019.
Genomic context (GRCh38, chr19:1,226,596, plus strand): 5'-GGCGCAGCTGAGCACCAAATCCAGGGCGGAGGGCCGGGCCCCCAACCCTGCCCGCAAGGC[C>T]TGCTCCGCCAGCAGCAAGATCCGCCGGCTGTCGGCCTGCAAGCAGCAGTGAGGCTGGCCG-3'
Protein context (NP_000446.1, residues 407-427): EGRAPNPARK[Ala417=]CSASSKIRRL

ClinVar aggregate classification (germline): Conflicting classifications of pathogenicity. Review status: criteria provided, conflicting classifications (1 of 4 stars). 8 submissions from 8 submitters: Uncertain significance (1); Benign (1); Likely benign (5). 1 of the submissions does not count toward it. Last evaluated 2025-07-13.

Conditions:
STK11-related disorder. Also called: STK11-related condition.
Hereditary cancer-predisposing syndrome. Also called: Tumor predisposition; Hereditary neoplastic syndrome; Hereditary Cancer Syndrome; Neoplastic Syndromes, Hereditary. Identifiers: Orphanet 140162, MedGen C0027672, MeSH D009386, MONDO:0015356.
Peutz-Jeghers syndrome (PJS). Also called: POLYPOSIS, HAMARTOMATOUS INTESTINAL; POLYPS-AND-SPOTS SYNDROME; Peutz-Jeghers polyposis; Periorificial lentiginosis syndrome. Identifiers: Orphanet 2869, MedGen C0031269, MeSH D010580, MONDO:0008280, OMIM 175200.

Allele frequency attached by ClinVar (database versions not stated): gnomAD 0.00001; gnomAD exomes 0.00001; TOPMed 0.00001.
gnomAD v4.1: 5 of 1,566,776 alleles (0.00032%); highest among the groups gnomAD compares: Non-Finnish European, 0.00043%; no homozygotes.

Submissions (8):

Labcorp Genetics (formerly Invitae), Labcorp
Classification: Likely benign for Peutz-Jeghers syndrome. Last evaluated: 2025-07-13. Review status: criteria provided, single submitter. Criteria: Invitae Variant Classification Sherloc (09022015). Collection method: clinical testing. Allele origin: germline.

CeGaT Center for Human Genetics Tuebingen
Classification: Likely benign. Last evaluated: 2025-06-01. Review status: criteria provided, single submitter. Criteria: CeGaT Center For Human Genetics Tuebingen Variant Classification Criteria Version 2. Collection method: clinical testing. Allele origin: germline. Affected: yes. Observed: 1 variant allele.
Comment: STK11: BP4, BP7

Myriad Genetics, Inc.
Classification: Benign for Peutz-Jeghers syndrome. Last evaluated: 2025-03-31. Review status: criteria provided, single submitter. Criteria: Myriad Autosomal Dominant, Autosomal Recessive and X-Linked Classification Criteria (2023). Collection method: clinical testing. Allele origin: unknown.
Comment: This variant is considered benign. This variant is a silent/synonymous amino acid change and it is not expected to impact splicing.

All of Us Research Program, National Institutes of Health
Classification: Likely benign for Peutz-Jeghers syndrome. Last evaluated: 2023-08-15. Review status: criteria provided, single submitter. Criteria: ACMG Guidelines, 2015. Collection method: clinical testing. Allele origin: germline. Inheritance: Autosomal dominant inheritance. Observed: 1 variant allele, 1 heterozygote.
Comment: This study involves interpretation of variants in research participants for the purpose of population health screening. Participant phenotype was not available at the time of variant classification. Additional details can be found in publication PMID: 35346344, PMCID: PMC8962531

Genome-Nilou Lab
Classification: Uncertain significance for Peutz-Jeghers syndrome. Last evaluated: 2021-07-15. Review status: criteria provided, single submitter. Criteria: ACMG Guidelines, 2015. Collection method: clinical testing. Allele origin: germline. Affected: no.

Ambry Genetics
Classification: Likely benign for Hereditary cancer-predisposing syndrome. Last evaluated: 2016-12-21. Review status: criteria provided, single submitter. Criteria: Ambry Variant Classification Scheme 2023. Collection method: clinical testing. Allele origin: germline.

Color Diagnostics, LLC DBA Color Health
Classification: Likely benign for Hereditary cancer-predisposing syndrome. Last evaluated: 2016-04-26. Review status: criteria provided, single submitter. Criteria: ACMG Guidelines, 2015. Collection method: clinical testing. Allele origin: germline.

PreventionGenetics, part of Exact Sciences
Classification: Likely benign for STK11-related condition. Last evaluated: 2019-11-12. Review status: no assertion criteria provided. Collection method: clinical testing. Allele origin: germline. Not counted in ClinVar's aggregate classification.
Comment: This variant is classified as likely benign based on ACMG/AMP sequence variant interpretation guidelines (Richards et al. 2015 PMID: 25741868, with internal and published modifications).